The following is an entry in ClinVar:

NM_002582.4(PARN):c.1148C>G (p.Ala383Gly)

Gene: PARN (poly(A)-specific ribonuclease; minus strand). Cytogenetic location: 16p13.12.
Variant type: single nucleotide variant.
Coding change: c.1148C>G on transcript NM_002582.4 (MANE Select); coding-DNA position 1148, C replaced by G.
Protein change: p.Ala383Gly; replaces alanine 383 with glycine.
Molecular consequence: missense variant.
Genome position (GRCh38, 1-based): chr16:14,582,225, G>C on the plus strand (C>G on the coding strand, the complement: PARN is on the minus strand). VCF-style: chr16-14582225-G-C. GRCh37 (hg19) VCF-style: chr16-14676082-G-C.
Other names: c.965C>G, p.Ala322Gly (NM_001134477.3); c.1010C>G, p.Ala337Gly (NM_001242992.2); short protein forms A322G, A337G, A383G.
Identifiers: ClinVar variation 1962250 (VCV001962250.5), dbSNP rs786200999, ClinGen allele CA394801668.

ClinVar aggregate classification (germline): Uncertain significance (1 of 4 stars; one submission).

Conditions:
Dyskeratosis congenita, autosomal recessive 6 (DKCB6). Identifiers: MedGen C4225356, MONDO:0014600, OMIM 616353.
Pulmonary fibrosis and/or bone marrow failure, Telomere-related, 4. Also called: PULMONARY FIBROSIS AND/OR BONE MARROW FAILURE SYNDROME, TELOMERE-RELATED, 4. Identifiers: Orphanet 2032, MedGen C4225347, MONDO:0014612, OMIM 616371.

Allele frequency attached by ClinVar (database versions not stated): gnomAD exomes 0.00001.
gnomAD v4.1: 5 of 1,613,398 alleles (0.00031%); highest among the groups gnomAD compares: Non-Finnish European, 0.00042%; no homozygotes.

Submission:

Labcorp Genetics (formerly Invitae), Labcorp
Classification: Uncertain significance for Dyskeratosis congenita, autosomal recessive 6; Pulmonary fibrosis and/or bone marrow failure, Telomere-related, 4. Last evaluated: 2024-06-19. Review status: criteria provided, single submitter. Criteria: Invitae Variant Classification Sherloc (09022015). Collection method: clinical testing. Allele origin: germline.
Comment: This sequence change replaces alanine, which is neutral and non-polar, with glycine, which is neutral and non-polar, at codon 383 of the PARN protein (p.Ala383Gly). This variant is not present in population databases (gnomAD no frequency). This variant has not been reported in the literature in individuals affected with PARN-related conditions. ClinVar contains an entry for this variant (Variation ID: 1962250). Advanced modeling of protein sequence and biophysical properties (such as structural, functional, and spatial information, amino acid conservation, physicochemical variation, residue mobility, and thermodynamic stability) performed at Invitae indicates that this missense variant is expected to disrupt PARN protein function with a positive predictive value of 80%. In summary, the available evidence is currently insufficient to determine the role of this variant in disease. Therefore, it has been classified as a Variant of Uncertain Significance.